The following is an entry in ClinVar:

ClinVar aggregate classification (germline): Uncertain significance (1 of 4 stars; one submission).

Allele frequency attached by ClinVar (database versions not stated): gnomAD exomes below 0.00001; TOPMed below 0.00001.
gnomAD v4.1: 4 of 1,470,654 alleles (0.00027%); highest among the groups gnomAD compares: Middle Eastern, 0.017%; no homozygotes.

Submission:

Labcorp Genetics (formerly Invitae), Labcorp
Classification: Uncertain significance. Last evaluated: 2022-03-10. Review status: criteria provided, single submitter. Criteria: Invitae Variant Classification Sherloc (09022015). Collection method: clinical testing. Allele origin: germline.
Comment: This sequence change replaces glycine, which is neutral and non-polar, with arginine, which is basic and polar, at codon 1932 of the EYS protein (p.Gly1932Arg). This variant is not present in population databases (gnomAD no frequency). This variant has not been reported in the literature in individuals affected with EYS-related conditions. Algorithms developed to predict the effect of missense changes on protein structure and function output the following: SIFT: "Tolerated"; PolyPhen-2: "Benign"; Align-GVGD: "Class C0". The arginine amino acid residue is found in multiple mammalian species, which suggests that this missense change does not adversely affect protein function. In summary, the available evidence is currently insufficient to determine the role of this variant in disease. Therefore, it has been classified as a Variant of Uncertain Significance.

NM_001142800.2(EYS):c.5794G>A (p.Gly1932Arg)

Gene: EYS (eyes shut homolog; minus strand). Cytogenetic location: 6q12.
Variant type: single nucleotide variant.
Coding change: c.5794G>A on transcript NM_001142800.2 (MANE Select); coding-DNA position 5794, G replaced by A.
Protein change: p.Gly1932Arg; replaces glycine 1932 with arginine.
Molecular consequence: missense variant.
Genome position (GRCh38, 1-based): chr6:64,439,203, C>T on the plus strand (G>A on the coding strand, the complement: EYS is on the minus strand). VCF-style: chr6-64439203-C-T. GRCh37 (hg19) VCF-style: chr6-65149096-C-T.
Other names: c.5794G>A, p.Gly1932Arg (NM_001292009.2); short protein forms G1932R.
Identifiers: ClinVar variation 1405252 (VCV001405252.6), dbSNP rs1319912217, ClinGen allele CA364392591.
Genomic context (GRCh38, chr6:64,439,203, plus strand): 5'-AATGAACTGAATAACTTACCTTTAAAGTACCATTTTCAATAAACAATTGAATAAAAAATC[C>T]ATCTACTAAATTTGAGTCTTGCTTGACATACAGCAGAAGTCCATAGGAGCTGAAGGTCTG-3'
Protein context (NP_001136272.1, residues 1922-1942): YVKQDSNLVD[Gly1932Arg]FFIQLFIENG